The following is an entry in ClinVar:

NM_024598.4(USB1):c.437C>A (p.Thr146Asn)

Gene: USB1 (U6 snRNA biogenesis phosphodiesterase 1; plus strand). Cytogenetic location: 16q21.
Variant type: single nucleotide variant.
Coding change: c.437C>A on transcript NM_024598.4 (MANE Select); coding-DNA position 437, C replaced by A.
Protein change: p.Thr146Asn; replaces threonine 146 with asparagine.
Molecular consequence: missense variant.
Genome position (GRCh38, 1-based): chr16:58,010,100, C>A. VCF-style: chr16-58010100-C-A. GRCh37 (hg19) VCF-style: chr16-58044004-C-A.
Other names: c.437C>A, p.Thr146Asn (NM_001195302.2, NM_001204911.2, NM_001330569.2); c.284C>A, p.Thr95Asn (NM_001330568.2); c.437C>A (NM_024598.3); short protein forms T146N, T95N.
Identifiers: ClinVar variation 1439909 (VCV001439909.5), dbSNP rs1449480304, ClinGen allele CA396129314.

ClinVar aggregate classification (germline): Uncertain significance. Review status: criteria provided, multiple submitters, no conflicts (2 of 4 stars). 2 submissions from 2 submitters: Uncertain significance (2). Last evaluated 2025-02-02.

Conditions:
Inborn genetic diseases. Identifiers: MedGen C0950123, MeSH D030342.

Allele frequency attached by ClinVar (database versions not stated): gnomAD exomes below 0.00001.
gnomAD v4.1: 2 of 1,614,118 alleles (0.00012%); highest among the groups gnomAD compares: Non-Finnish European, 0.00017%; no homozygotes.

Submissions (2):

Ambry Genetics
Classification: Uncertain significance for Inborn genetic diseases. Last evaluated: 2025-02-02. Review status: criteria provided, single submitter. Criteria: Ambry Variant Classification Scheme 2023. Collection method: clinical testing. Allele origin: germline.
Comment: The p.T146N variant (also known as c.437C>A), located in coding exon 3 of the USB1 gene, results from a C to A substitution at nucleotide position 437. The threonine at codon 146 is replaced by asparagine, an amino acid with similar properties. This amino acid position is conserved. In addition, this alteration is predicted to be tolerated by in silico analysis. Based on the available evidence, the clinical significance of this variant remains unclear.

Labcorp Genetics (formerly Invitae), Labcorp
Classification: Uncertain significance. Last evaluated: 2021-11-26. Review status: criteria provided, single submitter. Criteria: Invitae Variant Classification Sherloc (09022015). Collection method: clinical testing. Allele origin: germline.
Comment: In summary, the available evidence is currently insufficient to determine the role of this variant in disease. Therefore, it has been classified as a Variant of Uncertain Significance. Algorithms developed to predict the effect of missense changes on protein structure and function are either unavailable or do not agree on the potential impact of this missense change (SIFT: "Not Available"; PolyPhen-2: "Benign"; Align-GVGD: "Not Available"). This variant has not been reported in the literature in individuals affected with USB1-related conditions. This variant is present in population databases (no rsID available, gnomAD 0.0009%). This sequence change replaces threonine, which is neutral and polar, with asparagine, which is neutral and polar, at codon 146 of the USB1 protein (p.Thr146Asn).